The following is an entry in ClinVar:

ClinVar aggregate classification (germline): Pathogenic (1 of 4 stars; one submission).

Conditions:
Early-infantile DEE. Also called: Ohtahara syndrome; Early infantile epileptic encephalopathy; Early infantile epileptic encephalopathy with suppression bursts. Identifiers: Orphanet 1934, MedGen C0393706, MONDO:0800491.

Submission:

Labcorp Genetics (formerly Invitae), Labcorp
Classification: Pathogenic for Early-infantile DEE. Last evaluated: 2024-05-06. Review status: criteria provided, single submitter. Criteria: Invitae Variant Classification Sherloc (09022015). Collection method: clinical testing. Allele origin: germline.
Comment: This sequence change creates a premature translational stop signal (p.Ala1895Leufs*16) in the SCN1A gene. While this is not anticipated to result in nonsense mediated decay, it is expected to disrupt the last 115 amino acid(s) of the SCN1A protein. This variant is not present in population databases (gnomAD no frequency). This variant has not been reported in the literature in individuals affected with SCN1A-related conditions. This variant disrupts a region of the SCN1A protein in which other variant(s) (p.Arg1988Trp) have been determined to be pathogenic (PMID: 23708187). This suggests that this is a clinically significant region of the protein, and that variants that disrupt it are likely to be disease-causing. For these reasons, this variant has been classified as Pathogenic.

Literature cited by the submitters: PubMed 23708187.

NM_001165963.4(SCN1A):c.5683del (p.Ala1895fs)

Genes: SCN1A (sodium voltage-gated channel alpha subunit 1; minus strand), LOC102724058 (uncharacterized LOC102724058; plus strand). Cytogenetic location: 2q24.3.
Variant type: Deletion.
Coding change: c.5683del on transcript NM_001165963.4 (MANE Select); coding-DNA position 5683, one base deleted (G; older notation c.5683delG).
Protein change: p.Ala1895fs; shifts the reading frame from alanine 1895.
Molecular consequence: frameshift variant. On other transcripts: non-coding transcript variant (1).
Genome position (GRCh38, 1-based): chr2:165,991,592, C deleted on the plus strand (G on the coding strand, the reverse complement: SCN1A is on the minus strand); the first of 2 consecutive C bases (chr2:165,991,592-165,991,593); deleting either gives the same sequence. VCF-style (leftmost placement, unchanged base first): chr2-165991591-GC-G. GRCh37 (hg19) VCF-style: chr2-166848101-GC-G.
Other names: c.5599del, p.Ala1867fs (NM_001165964.3, NM_001353957.2, NM_001353958.2); c.5683del, p.Ala1895fs (NM_001202435.3, NM_001353948.2); c.5650del, p.Ala1884fs (NM_001353949.2, NM_001353950.2, NM_001353951.2 and 2 more transcripts); c.5647del, p.Ala1883fs (NM_001353954.2, NM_001353955.2); c.5596del, p.Ala1866fs (NM_001353960.2); c.3241del, p.Ala1081fs (NM_001353961.2); short protein forms A1866fs, A1895fs, A1081fs, A1867fs, A1883fs, A1884fs.
Identifiers: ClinVar variation 3652364 (VCV003652364.2).
Genomic context (GRCh38, chr2:165,991,591, plus strand): 5'-TCTTGTTTTCGTTTTAAAGTAGTAGTGATTGGCTGATAGGAGACCTTGGAAGGATTGGAA[GC>G]CATGAATCGCTCTTCCATCTGTATTCGTAGAGCATCCATCTCTCCACTCTCTCCTAGAAC-3'